The following is an entry in ClinVar:

NM_004360.5(CDH1):c.687+4_687+7del

Gene: CDH1 (cadherin 1; plus strand). Cytogenetic location: 16q22.1.
Variant type: Deletion.
Coding change: c.687+4_687+7del on transcript NM_004360.5 (MANE Select); bases 4 to 7 of the intron after coding-DNA position 687, 4 bases deleted (AGTA; older notation c.687+4_687+7delAGTA).
Molecular consequence: splice donor variant.
Genome position (GRCh38, 1-based): chr16:68,808,852-68,808,855, AGTA deleted; deleting any 4 consecutive bases within chr16:68,808,849-68,808,855 gives the same sequence; the c. name uses the placement nearest the transcript's 3' end. VCF-style (leftmost placement, unchanged base first): chr16-68808848-TGTAA-T. GRCh37 (hg19) VCF-style: chr16-68842751-TGTAA-T.
Other names: c.687+4_687+7del (LRG_301t1, NM_001317184.2); c.687+4_687+7delAGTA (NM_004360.3); c.-929+4_-929+7del (NM_001317185.2); c.-1133+4_-1133+7del (NM_001317186.2).
Identifiers: ClinVar variation 657843 (VCV000657843.7), dbSNP rs1597891251, ClinGen allele CA915949303.

ClinVar aggregate classification (germline): Uncertain significance (1 of 4 stars; one submission).

Conditions:
Hereditary diffuse gastric adenocarcinoma (HDGC). Also called: DIFFUSE GASTRIC AND LOBULAR BREAST CANCER SYNDROME. Identifiers: Orphanet 26106, MedGen C1708349, MONDO:0007648, OMIM 137215.

Submission:

Labcorp Genetics (formerly Invitae), Labcorp
Classification: Uncertain significance for Hereditary diffuse gastric adenocarcinoma. Last evaluated: 2024-11-05. Review status: criteria provided, single submitter. Criteria: Invitae Variant Classification Sherloc (09022015). Collection method: clinical testing. Allele origin: germline.
Comment: This sequence change falls in intron 5 of the CDH1 gene. It does not directly change the encoded amino acid sequence of the CDH1 protein. RNA analysis indicates that this variant induces altered splicing and likely results in the loss of 14 amino acid residue(s), but is expected to preserve the integrity of the reading-frame. This variant is not present in population databases (gnomAD no frequency). This variant has been observed in individual(s) with hereditary diffuse gastric cancer (internal data). ClinVar contains an entry for this variant (Variation ID: 657843). Variants that disrupt the consensus splice site are a relatively common cause of aberrant splicing (PMID: 17576681, 9536098). Studies have shown that this variant results in the activation of a cryptic splice site in exon 5 (internal data). In summary, the available evidence is currently insufficient to determine the role of this variant in disease. Therefore, it has been classified as a Variant of Uncertain Significance.

Literature cited by the submitters: PubMed 17576681; PubMed 9536098.